The following is an entry in ClinVar:

ClinVar aggregate classification (germline): Uncertain significance (1 of 4 stars; one submission).

Allele frequency attached by ClinVar (database versions not stated): gnomAD 0.00002; TOPMed 0.00003; gnomAD exomes 0.00004.
gnomAD v4.1: 26 of 1,579,060 alleles (0.0016%); highest among the groups gnomAD compares: Non-Finnish European, 0.002%; no homozygotes.

Submission:

Labcorp Genetics (formerly Invitae), Labcorp
Classification: Uncertain significance. Last evaluated: 2023-02-06. Review status: criteria provided, single submitter. Criteria: Invitae Variant Classification Sherloc (09022015). Collection method: clinical testing. Allele origin: germline.
Comment: This sequence change creates a premature translational stop signal (p.Gln20*) in the DGKZ gene. It is expected to result in an absent or disrupted protein product. However, the current clinical and genetic evidence is not sufficient to establish whether loss-of-function variants in DGKZ cause disease. The frequency data for this variant in the population databases is considered unreliable, as metrics indicate poor data quality at this position in the gnomAD database. This variant has not been reported in the literature in individuals affected with DGKZ-related conditions. In summary, the available evidence is currently insufficient to determine the role of this variant in disease. Therefore, it has been classified as a Variant of Uncertain Significance.

NM_001199267.2(DGKZ):c.162-977C>T

Gene: DGKZ (diacylglycerol kinase zeta; plus strand). Cytogenetic location: 11p11.2.
Variant type: single nucleotide variant.
Coding change: c.162-977C>T on transcript NM_001199267.2 (MANE Select); 977 bases into the intron before coding-DNA position 162, C replaced by T.
Molecular consequence: intron variant. On other transcripts: nonsense (1).
Genome position (GRCh38, 1-based): chr11:46,366,314, C>T. VCF-style: chr11-46366314-C-T. GRCh37 (hg19) VCF-style: chr11-46387864-C-T.
Other names: c.58C>T, p.Gln20Ter (NM_001105540.2); c.213-977C>T (NM_201532.3); c.177-977C>T (NM_201533.3); c.162-977C>T (NM_001199266.2, NM_003646.4, NM_001199268.2); short protein forms Q20*.
Identifiers: ClinVar variation 2723971 (VCV002723971.3), dbSNP rs1241568633, ClinGen allele CA380209579.